The following is an entry in ClinVar:

NM_012254.3(SLC27A5):c.661G>A (p.Gly221Arg)

Gene: SLC27A5 (solute carrier family 27 member 5; minus strand). Cytogenetic location: 19q13.43.
Variant type: single nucleotide variant.
Coding change: c.661G>A on transcript NM_012254.3 (MANE Select); coding-DNA position 661, G replaced by A.
Protein change: p.Gly221Arg; replaces glycine 221 with arginine.
Molecular consequence: missense variant. On other transcripts: intron variant (1).
Genome position (GRCh38, 1-based): chr19:58,511,295, C>T on the plus strand (G>A on the coding strand, the complement: SLC27A5 is on the minus strand). VCF-style: chr19-58511295-C-T. GRCh37 (hg19) VCF-style: chr19-59022662-C-T.
Other names: c.436+225G>A (NM_001321196.2); short protein forms G221R.
Identifiers: ClinVar variation 3650246 (VCV003650246.2).
Genomic context (GRCh38, chr19:58,511,295, plus strand): 5'-CCTTCCATTCTCCACTGGCTCCAAGGCCCTCACCTGGGTCCACCACCAGCACCCGGGCCC[C>T]AGAGCTCAGCACAGAGTGCGCCAGGGGCATCCCCCGGCCATGCGGGTTGATCCAGGCTGT-3'
Protein context (NP_036386.1, residues 211-231): MPLAHSVLSS[Gly221Arg]ARVLVVDPDL

ClinVar aggregate classification (germline): Uncertain significance (1 of 4 stars; one submission).

Submission:

Labcorp Genetics (formerly Invitae), Labcorp
Classification: Uncertain significance. Last evaluated: 2025-06-12. Review status: criteria provided, single submitter. Criteria: Invitae Variant Classification Sherloc (09022015). Collection method: clinical testing. Allele origin: germline.
Comment: This sequence change replaces glycine, which is neutral and non-polar, with arginine, which is basic and polar, at codon 221 of the SLC27A5 protein (p.Gly221Arg). This variant is not present in population databases (gnomAD no frequency). This variant has not been reported in the literature in individuals affected with SLC27A5-related conditions. ClinVar contains an entry for this variant (Variation ID: 3650246). An algorithm developed to predict the effect of missense changes on protein structure and function (PolyPhen-2) suggests that this variant is likely to be disruptive. In summary, the available evidence is currently insufficient to determine the role of this variant in disease. Therefore, it has been classified as a Variant of Uncertain Significance.